The following is an entry in ClinVar:

NM_001105244.2(PTPRM):c.399T>C (p.Ser133=)

Gene: PTPRM (protein tyrosine phosphatase receptor type M; plus strand). Cytogenetic location: 18p11.23.
Variant type: single nucleotide variant.
Coding change: c.399T>C on transcript NM_001105244.2 (MANE Select); coding-DNA position 399, T replaced by C.
Protein change: p.Ser133=; no amino-acid change (serine 133 retained).
Molecular consequence: synonymous variant.
Genome position (GRCh38, 1-based): chr18:7,888,308, T>C. VCF-style: chr18-7888308-T-C. GRCh37 (hg19) VCF-style: chr18-7888306-T-C.
Other names: c.399T>C, p.Ser133= (NM_002845.4).
Identifiers: ClinVar variation 3051443 (VCV003051443.2), dbSNP rs145102453, ClinGen allele CA8883856.
Genomic context (GRCh38, chr18:7,888,308, plus strand): 5'-ACTCAATGTCTACGTGAAGGTCAATAACGGGCCACTGGGGAATCCTATCTGGAATATATC[T>C]GGAGACCCAACACGTACATGGAACAGGGCAGAACTGGCCATTAGTACTTTCTGGCCTAAC-3'
Protein context (NP_001098714.1, residues 123-143): GPLGNPIWNI[Ser133=]GDPTRTWNRA

ClinVar aggregate classification (germline): Likely benign (0 of 4 stars; one submission).

Conditions:
PTPRM-related disorder. Also called: PTPRM-related condition.

Allele frequency attached by ClinVar (database versions not stated): TOPMed 0.00026; gnomAD 0.00035; ExAC 0.00036; gnomAD exomes 0.00063; ESP Exome Variant Server 0.00085.
gnomAD v4.1: 955 of 1,614,112 alleles (0.059%); highest among the groups gnomAD compares: Non-Finnish European, 0.077%; 2 homozygotes.

Submission:

PreventionGenetics, part of Exact Sciences
Classification: Likely benign for PTPRM-related condition. Last evaluated: 2019-03-08. Review status: no assertion criteria provided. Collection method: clinical testing. Allele origin: germline.
Comment: This variant is classified as likely benign based on ACMG/AMP sequence variant interpretation guidelines (Richards et al. 2015 PMID: 25741868, with internal and published modifications).